The following is an entry in ClinVar:

ClinVar aggregate classification (germline): Conflicting classifications of pathogenicity. Review status: criteria provided, conflicting classifications (1 of 4 stars). 4 submissions from 4 submitters: Uncertain significance (3); Likely benign (1). Last evaluated 2025-11-21.

Conditions:
Hereditary cancer-predisposing syndrome. Also called: Hereditary neoplastic syndrome; Neoplastic Syndromes, Hereditary; Tumor predisposition; Hereditary Cancer Syndrome. Identifiers: Orphanet 140162, MedGen C0027672, MeSH D009386, MONDO:0015356.
Familial adenomatous polyposis 1 (FAP1). Also called: POLYPOSIS, ADENOMATOUS INTESTINAL; FAMILIAL ADENOMATOUS POLYPOSIS 1, ATTENUATED. Identifiers: MedGen C2713442, MONDO:0021056, OMIM 175100. Disease mechanism: loss of function.

Allele frequency attached by ClinVar (database versions not stated): gnomAD 0.00001; gnomAD exomes 0.00001; TOPMed 0.00001.
gnomAD v4.1: 3 of 1,610,742 alleles (0.00019%); highest among the groups gnomAD compares: Non-Finnish European, 0.00025%; no homozygotes.

Submissions (4):

Ambry Genetics
Classification: Uncertain significance for Hereditary cancer-predisposing syndrome. Last evaluated: 2025-11-21. Review status: criteria provided, single submitter. Criteria: Ambry Variant Classification Scheme 2023. Collection method: clinical testing. Allele origin: germline.
Comment: The p.P2170S variant (also known as c.6508C>T), located in coding exon 15 of the APC gene, results from a C to T substitution at nucleotide position 6508. The proline at codon 2170 is replaced by serine, an amino acid with similar properties. This amino acid position is well conserved in available vertebrate species. In addition, in silico predictors for this gene do not accurately predict pathogenicity. Missense variants in APC are not a common cause of disease (Spier I et al. Genet Med. 2024 Feb;26(2):100992). Based on the available evidence, the clinical significance of this variant remains unclear.

Labcorp Genetics (formerly Invitae), Labcorp
Classification: Likely benign for Familial adenomatous polyposis 1. Last evaluated: 2025-10-07. Review status: criteria provided, single submitter. Criteria: Invitae Variant Classification Sherloc (09022015). Collection method: clinical testing. Allele origin: germline.

Color Diagnostics, LLC DBA Color Health
Classification: Uncertain significance for Hereditary cancer-predisposing syndrome. Last evaluated: 2025-05-13. Review status: criteria provided, single submitter. Criteria: ACMG Guidelines, 2015. Collection method: clinical testing. Allele origin: germline.
Comment: This missense variant replaces proline with serine at codon 2170 of the APC protein. Computational prediction suggests that this variant may not impact protein structure and function. To our knowledge, functional studies have not been reported for this variant. This variant has not been reported in individuals affected with APC-related disorders in the literature. This variant has been identified in 2/249408 chromosomes in the general population by the Genome Aggregation Database (gnomAD). The available evidence is insufficient to determine the role of this variant in disease conclusively. Therefore, this variant is classified as a Variant of Uncertain Significance.

Baylor Genetics
Classification: Uncertain significance for Familial adenomatous polyposis 1. Last evaluated: 2024-01-24. Review status: criteria provided, single submitter. Criteria: ACMG Guidelines, 2015. Collection method: clinical testing. Allele origin: unknown.

NM_000038.6(APC):c.6508C>T (p.Pro2170Ser)

Gene: APC (APC regulator of Wnt signaling pathway; plus strand). Cytogenetic location: 5q22.2.
Variant type: single nucleotide variant.
Coding change: c.6508C>T on transcript NM_000038.6 (MANE Select); coding-DNA position 6508, C replaced by T.
Protein change: p.Pro2170Ser; replaces proline 2170 with serine.
Molecular consequence: missense variant.
Genome position (GRCh38, 1-based): chr5:112,842,102, C>T. VCF-style: chr5-112842102-C-T. GRCh37 (hg19) VCF-style: chr5-112177799-C-T.
Other names: c.6508C>T, p.Pro2170Ser (NM_001127510.3, NM_001354895.2); c.6454C>T, p.Pro2152Ser (NM_001127511.3); c.6562C>T, p.Pro2188Ser (NM_001354896.2); c.6130C>T, p.Pro2044Ser (NM_001354904.2); c.6028C>T, p.Pro2010Ser (NM_001354905.2); c.5659C>T, p.Pro1887Ser (NM_001354906.2); c.6433C>T, p.Pro2145Ser (NM_001354898.2); c.6424C>T, p.Pro2142Ser (NM_001354899.2); and 5 more; short protein forms P2170S, P2152S, P2069S, P2142S, P2129S, P2188S, P1887S, P2044S.
Identifiers: ClinVar variation 470050 (VCV000470050.20), dbSNP rs1229142303, ClinGen allele CA16035571.